The following is an entry in ClinVar:

NM_003995.4(NPR2):c.1087C>T (p.Arg363Ter)

Gene: NPR2 (natriuretic peptide receptor 2; plus strand). Cytogenetic location: 9p13.3.
Variant type: single nucleotide variant.
Coding change: c.1087C>T on transcript NM_003995.4 (MANE Select); coding-DNA position 1087, C replaced by T.
Protein change: p.Arg363Ter; replaces arginine 363 with a stop codon.
Molecular consequence: nonsense.
Genome position (GRCh38, 1-based): chr9:35,800,121, C>T. VCF-style: chr9-35800121-C-T. GRCh37 (hg19) VCF-style: chr9-35800118-C-T.
Other names: c.1087C>T, p.Arg363Ter (NM_001378923.1); short protein forms R363*.
Identifiers: ClinVar variation 1695394 (VCV001695394.4), dbSNP rs767258629, ClinGen allele CA5051598.

ClinVar aggregate classification (germline): Pathogenic. Review status: criteria provided, multiple submitters, no conflicts (2 of 4 stars). 2 submissions from 2 submitters: Pathogenic (2). Last evaluated 2023-04-17.

Conditions:
Acromesomelic dysplasia 1, Maroteaux type (AMD1). Also called: ST. HELENA DYSPLASIA; ACROMESOMELIC DYSPLASIA 1. Identifiers: Orphanet 40, MedGen C1864356, MONDO:0011275, OMIM 602875.
Tall stature-scoliosis-macrodactyly of the great toes syndrome. Also called: Epiphyseal chondrodysplasia, miura type. Identifiers: Orphanet 329191, MedGen C4014690, MONDO:0014401, OMIM 615923.

Allele frequency attached by ClinVar (database versions not stated): gnomAD exomes below 0.00001; ExAC 0.00001.

Submissions (2):

Labcorp Genetics (formerly Invitae), Labcorp
Classification: Pathogenic for Tall stature-scoliosis-macrodactyly of the great toes syndrome; Acromesomelic dysplasia 1, Maroteaux type. Last evaluated: 2023-04-17. Review status: criteria provided, single submitter. Criteria: Invitae Variant Classification Sherloc (09022015). Collection method: clinical testing. Allele origin: germline.
Comment: This sequence change creates a premature translational stop signal (p.Arg363*) in the NPR2 gene. It is expected to result in an absent or disrupted protein product. Loss-of-function variants in NPR2 are known to be pathogenic (PMID: 15146390, 15572448, 16384845). This variant is present in population databases (rs767258629, gnomAD 0.006%). This premature translational stop signal has been observed in individual(s) with acromesomelic dysplasia (PMID: 35455946). ClinVar contains an entry for this variant (Variation ID: 1695394). For these reasons, this variant has been classified as Pathogenic.

Lupski Lab, Baylor-Hopkins CMG, Baylor College of Medicine
Classification: Pathogenic for Acromesomelic dysplasia 1, Maroteaux type. Last evaluated: 2022-06-07. Review status: criteria provided, single submitter. Criteria: ACMG Guidelines, 2015. Collection method: research. Allele origin: inherited. Affected: yes. Observed: 2 variant alleles.

Literature cited by the submitters: PubMed 15146390 (cited by Labcorp Genetics (formerly Invitae), Labcorp); PubMed 15572448 (cited by Labcorp Genetics (formerly Invitae), Labcorp); PubMed 16384845 (cited by Labcorp Genetics (formerly Invitae), Labcorp); PubMed 35455946 (cited by Labcorp Genetics (formerly Invitae), Labcorp).